The following is an entry in ClinVar:

ClinVar aggregate classification (germline): Uncertain significance (1 of 4 stars; one submission).

Submission:

Labcorp Genetics (formerly Invitae), Labcorp
Classification: Uncertain significance. Last evaluated: 2025-05-05. Review status: criteria provided, single submitter. Criteria: Invitae Variant Classification Sherloc (09022015). Collection method: clinical testing. Allele origin: germline.
Comment: This sequence change replaces serine, which is neutral and polar, with cysteine, which is neutral and slightly polar, at codon 460 of the KCNH1 protein (p.Ser460Cys). This variant is not present in population databases (gnomAD no frequency). This variant has not been reported in the literature in individuals affected with KCNH1-related conditions. ClinVar contains an entry for this variant (Variation ID: 2032398). Invitae Evidence Modeling of protein sequence and biophysical properties (such as structural, functional, and spatial information, amino acid conservation, physicochemical variation, residue mobility, and thermodynamic stability) has been performed for this missense variant. However, the output from this modeling did not meet the statistical confidence thresholds required to predict the impact of this variant on KCNH1 protein function. This variant disrupts the p.Ser460 amino acid residue in KCNH1. Other variant(s) that disrupt this residue have been determined to be pathogenic (internal data). This suggests that this residue is clinically significant, and that variants that disrupt this residue are likely to be disease-causing. In summary, the available evidence is currently insufficient to determine the role of this variant in disease. Therefore, it has been classified as a Variant of Uncertain Significance.

NM_172362.3(KCNH1):c.1378A>T (p.Ser460Cys)

Gene: KCNH1 (potassium voltage-gated channel subfamily H member 1; minus strand). Cytogenetic location: 1q32.2.
Variant type: single nucleotide variant.
Coding change: c.1378A>T on transcript NM_172362.3 (MANE Select); coding-DNA position 1378, A replaced by T.
Protein change: p.Ser460Cys; replaces serine 460 with cysteine.
Molecular consequence: missense variant.
Genome position (GRCh38, 1-based): chr1:210,919,724, T>A on the plus strand (A>T on the coding strand, the complement: KCNH1 is on the minus strand). VCF-style: chr1-210919724-T-A. GRCh37 (hg19) VCF-style: chr1-211093066-T-A.
Other names: c.1297A>T, p.Ser433Cys (NM_002238.4); short protein forms S433C, S460C.
Identifiers: ClinVar variation 2032398 (VCV002032398.4), dbSNP rs2527119929, ClinGen allele CA344873097.